The following is an entry in ClinVar:

NM_133510.4(RAD51B):c.462A>C (p.Glu154Asp)

Gene: RAD51B (RAD51 paralog B; plus strand). Cytogenetic location: 14q24.1.
Variant type: single nucleotide variant.
Coding change: c.462A>C on transcript NM_133510.4 (MANE Select); coding-DNA position 462, A replaced by C.
Protein change: p.Glu154Asp; replaces glutamic acid 154 with aspartic acid.
Molecular consequence: missense variant.
Genome position (GRCh38, 1-based): chr14:67,885,878, A>C. VCF-style: chr14-67885878-A-C. GRCh37 (hg19) VCF-style: chr14-68352595-A-C.
Other names: c.462A>C, p.Glu154Asp (NM_001321809.2, NM_001321810.2, NM_001321812.1 and 6 more transcripts); c.348A>C, p.Glu116Asp (NM_001321815.1); c.105A>C, p.Glu35Asp (NM_001321817.2); short protein forms E116D, E154D, E35D.
Identifiers: ClinVar variation 5027792 (VCV005027792.1).
Genomic context (GRCh38, chr14:67,885,878, plus strand): 5'-GCTTTAAGTAGAATTGACTGTTTTCGTTTGTGCTATTTTTTTCACCCACAGACTGGTTGA[A>C]ATAGCAGAATCCCGTTTTCCCAGATATTTTAACACTGAAGAAAAGTTACTTTTGACAAGT-3'
Protein context (NP_598194.1, residues 144-164): ESAFSAERLV[Glu154Asp]IAESRFPRYF

ClinVar aggregate classification (germline): Uncertain significance (1 of 4 stars; one submission).

gnomAD v4.1: 8 of 1,607,930 alleles (0.0005%); highest among the groups gnomAD compares: Non-Finnish European, 0.00068%; no homozygotes.

Submission:

Ambry Genetics
Classification: Uncertain significance. Last evaluated: 2026-08-22. Review status: criteria provided, single submitter. Criteria: Ambry Variant Classification Scheme 2023. Collection method: clinical testing. Allele origin: germline.
Comment: The p.E154D variant (also known as c.462A>C), located in coding exon 5 of the RAD51B gene, results from an A to C substitution at nucleotide position 462. The glutamic acid at codon 154 is replaced by aspartic acid, an amino acid with highly similar properties. This amino acid position is conserved. In addition, this alteration is predicted to be tolerated by in silico analysis. Based on the available evidence, the clinical significance of this variant remains unclear.